The following is an entry in ClinVar:

ClinVar aggregate classification (germline): Uncertain significance. Review status: criteria provided, multiple submitters, no conflicts (2 of 4 stars). 5 submissions from 5 submitters: Uncertain significance (5). Last evaluated 2023-04-11.

Conditions:
Catecholaminergic polymorphic ventricular tachycardia 1. Also called: RYR2-Related Catecholaminergic Polymorphic Ventricular Tachycardia; VENTRICULAR TACHYCARDIA, STRESS-INDUCED POLYMORPHIC 1; VENTRICULAR TACHYCARDIA, CATECHOLAMINERGIC POLYMORPHIC, 1, WITH OR WITHOUT ATRIAL DYSFUNCTION AND/OR DILATED CARDIOMYOPATHY. Identifiers: Orphanet 3286, MedGen C1631597, MONDO:0011484, OMIM 604772.
Catecholaminergic polymorphic ventricular tachycardia 2. Also called: CASQ2-Related Catecholaminergic Polymorphic Ventricular Tachycardia; VENTRICULAR TACHYCARDIA, STRESS-INDUCED POLYMORPHIC 2. Identifiers: Orphanet 3286, MedGen C2677794, MONDO:0012762, OMIM 611938.

Submissions (5):

Genome-Nilou Lab
Classification: Uncertain significance for Catecholaminergic polymorphic ventricular tachycardia 2. Last evaluated: 2023-04-11. Review status: criteria provided, single submitter. Criteria: ACMG Guidelines, 2015. Collection method: clinical testing. Allele origin: germline. Affected: no.

Blueprint Genetics
Classification: Uncertain significance. Last evaluated: 2022-12-01. Review status: criteria provided, single submitter. Criteria: ACMG Guidelines, 2015. Collection method: clinical testing. Allele origin: germline.

Fulgent Genetics
Classification: Uncertain significance for Catecholaminergic polymorphic ventricular tachycardia 1; Catecholaminergic polymorphic ventricular tachycardia 2. Last evaluated: 2021-08-23. Review status: criteria provided, single submitter. Criteria: ACMG Guidelines, 2015. Collection method: clinical testing. Allele origin: unknown.

Labcorp Genetics (formerly Invitae), Labcorp
Classification: Uncertain significance for Catecholaminergic polymorphic ventricular tachycardia 1. Last evaluated: 2021-04-10. Review status: criteria provided, single submitter. Criteria: Invitae Variant Classification Sherloc (09022015). Collection method: clinical testing. Allele origin: germline.
Comment: This variant, c.327_329del, results in the deletion of 1 amino acid(s) of the CASQ2 protein (p.Asp109del), but otherwise preserves the integrity of the reading frame. This variant is not present in population databases (ExAC no frequency). This variant has not been reported in the literature in individuals with CASQ2-related conditions. ClinVar contains an entry for this variant (Variation ID: 449737). Experimental studies and prediction algorithms are not available or were not evaluated, and the functional significance of this variant is currently unknown. In summary, the available evidence is currently insufficient to determine the role of this variant in disease. Therefore, it has been classified as a Variant of Uncertain Significance.

GeneDx
Classification: Uncertain significance. Last evaluated: 2018-11-06. Review status: criteria provided, single submitter. Criteria: GeneDx Variant Classification (06012015). Collection method: clinical testing. Allele origin: germline. Affected: yes.
Comment: The c.327_329delTGA variant of uncertain significance in the CASQ2 gene has not been published as pathogenic or been reported as benign to our knowledge. However, this variant has been observed in two other unrelated individuals referred for arrhythmia genetic testing at GeneDx. This variant is not observed in large population cohorts (Lek et al., 2016). The c.327_329delTGA variant results in the in-frame deletion of a single aspartic acid residue at position 109, denoted p.Asp109del. In silico analysis predicts this variant is probably damaging to the protein structure/function. However, in the absence of functional or segregation studies, the physiological consequence of this variant cannot be precisely determined. Therefore, based on the currently available information, it is unclear whether this variant is pathogenic or rare benign.

NM_001232.4(CASQ2):c.324TGA[1] (p.Asp109del)

Gene: CASQ2 (calsequestrin 2; minus strand). Cytogenetic location: 1p13.1.
Variant type: Microsatellite.
Coding change: c.324TGA[1] on transcript NM_001232.4 (MANE Select); one copy of the 3-base unit TGA starting at c.324; the reference has two copies in a row; one copy, 3 bases deleted; also written c.327_329del.
Protein change: p.Asp109del; deletes aspartic acid 109.
Molecular consequence: inframe deletion.
Genome position (GRCh38, 1-based): chr1:115,740,819-115,740,821, TCA deleted on the plus strand (TGA on the coding strand, the reverse complement: CASQ2 is on the minus strand); deleting any 3 consecutive bases within chr1:115,740,819-115,740,824 gives the same sequence; the position shown is the placement nearest the transcript's 3' end. VCF-style (leftmost placement, unchanged base first): chr1-115740818-TTCA-T. GRCh37 (hg19) VCF-style: chr1-116283439-TTCA-T.
Other names: c.327_329del (NM_001232.4); c.327_329delTGA (NM_001232.3); short protein forms D109del.
Identifiers: ClinVar variation 449737 (VCV000449737.8), dbSNP rs1358515759, ClinGen allele CA658656953.